The following is an entry in ClinVar:

ClinVar aggregate classification (germline): Uncertain significance (1 of 4 stars; one submission).

gnomAD v4.1: 2 of 1,541,028 alleles (0.00013%); highest among the groups gnomAD compares: South Asian, 0.0024%; no homozygotes.

Submission:

GeneDx
Classification: Uncertain significance. Last evaluated: 2026-03-06. Review status: criteria provided, single submitter. Criteria: GeneDx Variant Classification Process June 2021. Collection method: clinical testing. Allele origin: germline.
Comment: Not observed at significant frequency in large population cohorts (gnomAD); In silico analysis supports that this missense variant has a deleterious effect on protein structure/function; Has not been previously published as pathogenic or benign to our knowledge

NM_005573.4(LMNB1):c.113A>G (p.Glu38Gly)

Gene: LMNB1 (lamin B1; plus strand). Cytogenetic location: 5q23.2.
Variant type: single nucleotide variant.
Coding change: c.113A>G on transcript NM_005573.4 (MANE Select); coding-DNA position 113, A replaced by G.
Protein change: p.Glu38Gly; replaces glutamic acid 38 with glycine.
Molecular consequence: missense variant. On other transcripts: non-coding transcript variant (2), intron variant (1).
Genome position (GRCh38, 1-based): chr5:126,777,621, A>G. VCF-style: chr5-126777621-A-G. GRCh37 (hg19) VCF-style: chr5-126113313-A-G.
Other names: c.-272+377A>G (NM_001198557.2); short protein forms E38G.
Identifiers: ClinVar variation 5008530 (VCV005008530.1).